The following is an entry in ClinVar:

NM_002691.4(POLD1):c.2828T>C (p.Leu943Pro)

Gene: POLD1 (DNA polymerase delta 1, catalytic subunit; plus strand). Cytogenetic location: 19q13.33.
Variant type: single nucleotide variant.
Coding change: c.2828T>C on transcript NM_002691.4 (MANE Select); coding-DNA position 2828, T replaced by C.
Protein change: p.Leu943Pro; replaces leucine 943 with proline.
Molecular consequence: missense variant. On other transcripts: non-coding transcript variant (1).
Genome position (GRCh38, 1-based): chr19:50,416,403, T>C. VCF-style: chr19-50416403-T-C. GRCh37 (hg19) VCF-style: chr19-50919660-T-C.
Other names: c.2828T>C, p.Leu943Pro (NM_001256849.1); c.2906T>C, p.Leu969Pro (NM_001308632.1); short protein forms L969P, L943P.
Identifiers: ClinVar variation 2077140 (VCV002077140.4), dbSNP rs2514065181, ClinGen allele CA406986208.

ClinVar aggregate classification (germline): Uncertain significance (1 of 4 stars; one submission).

Conditions:
POLD1-related polyposis and colorectal cancer syndrome (CRCS10). Also called: Colorectal cancer 10; COLORECTAL CANCER, SUSCEPTIBILITY TO, ON CHROMOSOME 19q; Colorectal cancer, susceptibility to, 10. Identifiers: Orphanet 220460, MedGen C2675481, MONDO:0012953, OMIM 612591.

Submission:

Labcorp Genetics (formerly Invitae), Labcorp
Classification: Uncertain significance for POLD1-related polyposis and colorectal cancer syndrome. Last evaluated: 2025-10-17. Review status: criteria provided, single submitter. Criteria: Invitae Variant Classification Sherloc (09022015). Collection method: clinical testing. Allele origin: germline.
Comment: This sequence change replaces leucine, which is neutral and non-polar, with proline, which is neutral and non-polar, at codon 943 of the POLD1 protein (p.Leu943Pro). This variant is not present in population databases (gnomAD no frequency). This variant has not been reported in the literature in individuals affected with POLD1-related conditions. ClinVar contains an entry for this variant (Variation ID: 2077140). Invitae Evidence Modeling of protein sequence and biophysical properties (such as structural, functional, and spatial information, amino acid conservation, physicochemical variation, residue mobility, and thermodynamic stability) indicates that this missense variant is not expected to disrupt POLD1 protein function with a negative predictive value of 80%. In summary, the available evidence is currently insufficient to determine the role of this variant in disease. Therefore, it has been classified as a Variant of Uncertain Significance.